The following is an entry in ClinVar:

NM_020366.4(RPGRIP1):c.1060C>T (p.Gln354Ter)

Gene: RPGRIP1 (RPGR interacting protein 1; plus strand). Cytogenetic location: 14q11.2.
Variant type: single nucleotide variant.
Coding change: c.1060C>T on transcript NM_020366.4 (MANE Select); coding-DNA position 1060, C replaced by T.
Protein change: p.Gln354Ter; replaces glutamine 354 with a stop codon.
Molecular consequence: nonsense.
Genome position (GRCh38, 1-based): chr14:21,311,953, C>T. VCF-style: chr14-21311953-C-T. GRCh37 (hg19) VCF-style: chr14-21780112-C-T.
Other names: short protein forms Q354*.
Identifiers: ClinVar variation 3754622 (VCV003754622.2).

ClinVar aggregate classification (germline): Pathogenic. Review status: criteria provided, multiple submitters, no conflicts (2 of 4 stars). 2 submissions from 2 submitters: Pathogenic (2). Last evaluated 2025-12-08.

Conditions:
Cone-rod dystrophy 13 (CORD13). Identifiers: Orphanet 1872, MedGen C2750720, MONDO:0011987, OMIM 608194.
Leber congenital amaurosis 6 (LCA6). Identifiers: Orphanet 65, MedGen C1854260, MONDO:0013446, OMIM 613826.

gnomAD v4.1: 1 of 1,612,976 alleles (0.000062%); highest among the groups gnomAD compares: Non-Finnish European, 0.000085%; no homozygotes.

Submissions (2):

Research Institute for Ophthalmology and Vision Science, Shahid Beheshti University of Medical Sciences
Classification: Pathogenic for Leber congenital amaurosis 6. Last evaluated: 2025-12-08. Review status: criteria provided, single submitter. Criteria: ACMG Guidelines, 2015. Collection method: research. Allele origin: inherited. Inheritance: Autosomal recessive inheritance. Affected: yes.
Comment: This variant introduces a premature translational stop signal. It is not present in population databases and has been reported as pathogenic in ClinVar.

Labcorp Genetics (formerly Invitae), Labcorp
Classification: Pathogenic for Leber congenital amaurosis 6; Cone-rod dystrophy 13. Last evaluated: 2024-02-14. Review status: criteria provided, single submitter. Criteria: Invitae Variant Classification Sherloc (09022015). Collection method: clinical testing. Allele origin: germline.
Comment: This sequence change creates a premature translational stop signal (p.Gln354*) in the RPGRIP1 gene. It is expected to result in an absent or disrupted protein product. Loss-of-function variants in RPGRIP1 are known to be pathogenic (PMID: 11528500, 23105016). This variant is not present in population databases (gnomAD no frequency). This variant has not been reported in the literature in individuals affected with RPGRIP1-related conditions. Algorithms developed to predict the effect of sequence changes on RNA splicing suggest that this variant may disrupt the consensus splice site. For these reasons, this variant has been classified as Pathogenic.

Literature cited by the submitters: PubMed 11528500 (cited by Labcorp Genetics (formerly Invitae), Labcorp); PubMed 23105016 (cited by Labcorp Genetics (formerly Invitae), Labcorp).